The following is an entry in ClinVar:

ClinVar aggregate classification (germline): Uncertain significance (1 of 4 stars; one submission).

Allele frequency attached by ClinVar (database versions not stated): gnomAD exomes below 0.00001.
gnomAD v4.1: 2 of 1,613,950 alleles (0.00012%); highest among the groups gnomAD compares: East Asian, 0.0022%; no homozygotes.

Submission:

Labcorp Genetics (formerly Invitae), Labcorp
Classification: Uncertain significance. Last evaluated: 2023-07-17. Review status: criteria provided, single submitter. Criteria: Invitae Variant Classification Sherloc (09022015). Collection method: clinical testing. Allele origin: germline.
Comment: In summary, the available evidence is currently insufficient to determine the role of this variant in disease. Therefore, it has been classified as a Variant of Uncertain Significance. Advanced modeling of protein sequence and biophysical properties (such as structural, functional, and spatial information, amino acid conservation, physicochemical variation, residue mobility, and thermodynamic stability) performed at Invitae indicates that this missense variant is expected to disrupt ASNS protein function. ClinVar contains an entry for this variant (Variation ID: 2004449). This variant has not been reported in the literature in individuals affected with ASNS-related conditions. This variant is not present in population databases (gnomAD no frequency). This sequence change replaces isoleucine, which is neutral and non-polar, with threonine, which is neutral and polar, at codon 110 of the ASNS protein (p.Ile110Thr).

NM_001673.5(ASNS):c.329T>C (p.Ile110Thr)

Genes: ASNS (asparagine synthetase (glutamine-hydrolyzing); minus strand), CZ1P-ASNS (CZ1P-ASNS readthrough; minus strand). Cytogenetic location: 7q21.3.
Variant type: single nucleotide variant.
Coding change: c.329T>C on transcript NM_001673.5 (MANE Select); coding-DNA position 329, T replaced by C.
Protein change: p.Ile110Thr; replaces isoleucine 110 with threonine.
Molecular consequence: missense variant. On other transcripts: non-coding transcript variant (1).
Genome position (GRCh38, 1-based): chr7:97,864,417, A>G on the plus strand (T>C on the coding strand, the complement: ASNS is on the minus strand). VCF-style: chr7-97864417-A-G. GRCh37 (hg19) VCF-style: chr7-97493729-A-G.
Other names: c.266T>C, p.Ile89Thr (NM_001178075.2); c.80T>C, p.Ile27Thr (NM_001178076.2, NM_001178077.1); c.329T>C, p.Ile110Thr (NM_001352496.2, NM_133436.3, NM_183356.4); short protein forms I110T, I89T, I27T.
Identifiers: ClinVar variation 2004449 (VCV002004449.4), dbSNP rs2484682695, ClinGen allele CA368271674.